The following is an entry in ClinVar:

NM_153704.6(TMEM67):c.1576-9G>T

Gene: TMEM67 (transmembrane protein 67; plus strand). Cytogenetic location: 8q22.1.
Variant type: single nucleotide variant.
Coding change: c.1576-9G>T on transcript NM_153704.6 (MANE Select); 9 bases into the intron before coding-DNA position 1576, G replaced by T.
Molecular consequence: intron variant.
Genome position (GRCh38, 1-based): chr8:93,793,189, G>T. VCF-style: chr8-93793189-G-T. GRCh37 (hg19) VCF-style: chr8-94805417-G-T.
Other names: c.1333-9G>T (NM_001142301.1); c.1576-9G>T (NM_153704.5).
Identifiers: ClinVar variation 1157868 (VCV001157868.10), dbSNP rs760002634, ClinGen allele CA4808025.
Genomic context (GRCh38, chr8:93,793,189, plus strand): 5'-TGTTCACAGTGTTTTTGAACACCGATGACAGAAATTACATAAATTCTCAATTGTTCTTTT[G>T]TTTTTTAGATTGCTTTGGGTGTATTGGGTGGGCTAGCTGTTTTAGCATCTCTTTTGAAGA-3'

ClinVar aggregate classification (germline): Likely benign. Review status: criteria provided, single submitter (1 of 4 stars). 2 submissions from 2 submitters: Likely benign (1). 1 of the submissions does not count toward it. Last evaluated 2023-08-10.

Conditions:
Meckel-Gruber syndrome. Also called: Dysencephalia splachnocystica; DYSENCEPHALIA SPLANCHNOCYSTICA; GRUBER SYNDROME. Identifiers: Orphanet 564, MedGen C0265215, MONDO:0018921.
Joubert syndrome. Also called: Familial aplasia of the vermis; JOUBERT-BOLTSHAUSER SYNDROME. Identifiers: Orphanet 475, MedGen C5979921, MONDO:0018772.
TMEM67-related disorder. Also called: TMEM67-related condition; TMEM67-related disorders. Identifiers: MedGen CN239423.

Allele frequency attached by ClinVar (database versions not stated): gnomAD exomes below 0.00001; ExAC 0.00001; gnomAD 0.00001.
gnomAD v4.1: 2 of 1,611,694 alleles (0.00012%); highest among the groups gnomAD compares: Admixed American, 0.0033%; no homozygotes.

Submissions (2):

Labcorp Genetics (formerly Invitae), Labcorp
Classification: Likely benign for Joubert syndrome; Meckel-Gruber syndrome. Last evaluated: 2023-08-10. Review status: criteria provided, single submitter. Criteria: Invitae Variant Classification Sherloc (09022015). Collection method: clinical testing. Allele origin: germline.

PreventionGenetics, part of Exact Sciences
Classification: Likely benign for TMEM67-related condition. Last evaluated: 2019-02-27. Review status: no assertion criteria provided. Collection method: clinical testing. Allele origin: germline. Not counted in ClinVar's aggregate classification.
Comment: This variant is classified as likely benign based on ACMG/AMP sequence variant interpretation guidelines (Richards et al. 2015 PMID: 25741868, with internal and published modifications).